The following is an entry in ClinVar:

NM_182961.4(SYNE1):c.26001+7A>T

Gene: SYNE1 (spectrin repeat containing nuclear envelope protein 1; minus strand). Cytogenetic location: 6q25.2.
Variant type: single nucleotide variant.
Coding change: c.26001+7A>T on transcript NM_182961.4 (MANE Select); 7 bases into the intron after coding-DNA position 26001, A replaced by T.
Molecular consequence: intron variant.
Genome position (GRCh38, 1-based): chr6:152,133,269, T>A on the plus strand (A>T on the coding strand, the complement: SYNE1 is on the minus strand). VCF-style: chr6-152133269-T-A. GRCh37 (hg19) VCF-style: chr6-152454404-T-A.
Other names: c.25857+7A>T (NM_033071.5); c.2607+7A>T (NM_001347701.2); c.2535+7A>T (NM_001347702.2).
Identifiers: ClinVar variation 739558 (VCV000739558.6), dbSNP rs376215168, ClinGen allele CA4052704.

ClinVar aggregate classification (germline): Likely benign. Review status: criteria provided, single submitter (1 of 4 stars). 4 submissions from 4 submitters: Likely benign (1). 3 of the submissions do not count toward it. Last evaluated 2018-05-18.

Conditions:
SYNE1-related disorder. Also called: SYNE1-related disease; SYNE1-related condition; SYNE1-related disorders.

Allele frequency attached by ClinVar (database versions not stated): gnomAD exomes 0.00006 and 0.00014; ExAC 0.00017; TOPMed 0.00055; 1000 Genomes Project 0.00100; gnomAD 0.00053 and 0.00055; ESP Exome Variant Server 0.00038; 1000 Genomes Project 30x 0.00109.
gnomAD v4.1: 185 of 1,613,578 alleles (0.011%); highest among the groups gnomAD compares: African/African-American, 0.19%; 1 homozygote.

Submissions (4):

Labcorp Genetics (formerly Invitae), Labcorp
Classification: Likely benign. Last evaluated: 2018-05-18. Review status: criteria provided, single submitter. Criteria: Invitae Variant Classification Sherloc (09022015). Collection method: clinical testing. Allele origin: germline.

PreventionGenetics, part of Exact Sciences
Classification: Likely benign for SYNE1-related condition. Last evaluated: 2024-04-02. Review status: no assertion criteria provided. Collection method: clinical testing. Allele origin: germline. Not counted in ClinVar's aggregate classification.
Comment: This variant is classified as likely benign based on ACMG/AMP sequence variant interpretation guidelines (Richards et al. 2015 PMID: 25741868, with internal and published modifications).

Clinical Genetics DNA and cytogenetics Diagnostics Lab, Erasmus MC, Erasmus Medical Center
Classification: Likely benign. Review status: no assertion criteria provided. Collection method: clinical testing. Allele origin: germline. Affected: yes. Study: VKGL Data-share Consensus. Not counted in ClinVar's aggregate classification.

Laboratory of Diagnostic Genome Analysis, Leiden University Medical Center (LUMC)
Classification: Likely benign. Review status: no assertion criteria provided. Collection method: clinical testing. Allele origin: germline. Affected: yes. Study: VKGL Data-share Consensus. Not counted in ClinVar's aggregate classification.